The following is an entry in ClinVar:

ClinVar aggregate classification (germline): Uncertain significance. Review status: criteria provided, multiple submitters, no conflicts (2 of 4 stars). 2 submissions from 2 submitters: Uncertain significance (2). Last evaluated 2025-12-08.

Conditions:
Cardiovascular phenotype. Identifiers: MedGen CN230736.
X-linked myopathy with postural muscle atrophy. Also called: FHL1-Related Emery-Dreifuss Muscular Dystrophy, X-Linked. Identifiers: Orphanet 178461, MedGen C2678055, MONDO:0010401, OMIM 300696.

Allele frequency attached by ClinVar (database versions not stated): TOPMed below 0.00001.
gnomAD v4.1: 1 of 1,210,997 alleles (0.000083%); highest among the groups gnomAD compares: Non-Finnish European, 0.00011%; no homozygotes.

Submissions (2):

Labcorp Genetics (formerly Invitae), Labcorp
Classification: Uncertain significance for X-linked myopathy with postural muscle atrophy. Last evaluated: 2025-12-08. Review status: criteria provided, single submitter. Criteria: Invitae Variant Classification Sherloc (09022015). Collection method: clinical testing. Allele origin: germline.
Comment: This sequence change replaces proline, which is neutral and non-polar, with serine, which is neutral and polar, at codon 274 of the FHL1 protein (p.Pro274Ser). This variant is not present in population databases (gnomAD no frequency). This variant has not been reported in the literature in individuals affected with FHL1-related conditions. ClinVar contains an entry for this variant (Variation ID: 937251). An algorithm developed to predict the effect of missense changes on protein structure and function (PolyPhen-2) suggests that this variant is likely to be disruptive. In summary, the available evidence is currently insufficient to determine the role of this variant in disease. Therefore, it has been classified as a Variant of Uncertain Significance.

Ambry Genetics
Classification: Uncertain significance for Cardiovascular phenotype. Last evaluated: 2022-09-12. Review status: criteria provided, single submitter. Criteria: Ambry Variant Classification Scheme 2023. Collection method: clinical testing. Allele origin: germline.
Comment: The p.P274S variant (also known as c.820C>T), located in coding exon 5 of the FHL1 gene, results from a C to T substitution at nucleotide position 820. The proline at codon 274 is replaced by serine, an amino acid with similar properties. This amino acid position is conserved. In addition, this alteration is predicted to be tolerated by in silico analysis. Since supporting evidence is limited at this time, the clinical significance of this alteration remains unclear.

NM_001159699.2(FHL1):c.868C>T (p.Pro290Ser)

Gene: FHL1 (four and a half LIM domains 1; plus strand). Cytogenetic location: Xq26.3.
Variant type: single nucleotide variant.
Coding change: c.868C>T on transcript NM_001159699.2 (MANE Select); coding-DNA position 868, C replaced by T.
Protein change: p.Pro290Ser; replaces proline 290 with serine.
Molecular consequence: missense variant. On other transcripts: 3 prime UTR variant (6), non-coding transcript variant (1).
Genome position (GRCh38, 1-based): chrX:136,210,002, C>T. VCF-style: chrX-136210002-C-T. GRCh37 (hg19) VCF-style: chrX-135292161-C-T.
Other names: c.820C>T, p.Pro274Ser (NM_001159700.2, NM_001159704.1, NM_001167819.1 and 4 more transcripts); c.907C>T, p.Pro303Ser (NM_001159701.2); c.*48C>T (NM_001159702.3, NM_001159703.2, NM_001330659.2 and 3 more transcripts); short protein forms P274S, P290S, P303S.
Identifiers: ClinVar variation 937251 (VCV000937251.10), dbSNP rs1039991254, ClinGen allele CA336096795.